The following is an entry in ClinVar:

ClinVar aggregate classification (germline): Likely benign. Review status: criteria provided, multiple submitters, no conflicts (2 of 4 stars). 5 submissions from 5 submitters: Likely benign (4). 1 of the submissions does not count toward it. Last evaluated 2026-01-01.

Conditions:
CLTC-related disorder. Also called: CLTC-related condition.

Allele frequency attached by ClinVar (database versions not stated): ESP Exome Variant Server 0.00008; gnomAD 0.00009; gnomAD exomes 0.00010 and 0.00014; ExAC 0.00012; TOPMed 0.00014; 1000 Genomes Project 30x 0.00016; 1000 Genomes Project 0.00020.
gnomAD v4.1: 155 of 1,614,048 alleles (0.0096%); highest among the groups gnomAD compares: South Asian, 0.031%; 1 homozygote.

Submissions (5):

CeGaT Center for Human Genetics Tuebingen
Classification: Likely benign. Last evaluated: 2026-01-01. Review status: criteria provided, single submitter. Criteria: CeGaT Center For Human Genetics Tuebingen Variant Classification Criteria Version 2. Collection method: clinical testing. Allele origin: germline. Affected: yes. Observed: 4 variant alleles.
Comment: CLTC: BP4, BP7

Labcorp Genetics (formerly Invitae), Labcorp
Classification: Likely benign. Last evaluated: 2025-12-15. Review status: criteria provided, single submitter. Criteria: Invitae Variant Classification Sherloc (09022015). Collection method: clinical testing. Allele origin: germline.

Blueprint Genetics
Classification: Likely benign. Last evaluated: 2024-10-07. Review status: criteria provided, single submitter. Criteria: ACMG Guidelines, 2015. Collection method: clinical testing. Allele origin: germline.

Breakthrough Genomics
Classification: Likely benign. Review status: criteria provided, single submitter. Criteria: ACMG Guidelines, 2015. Collection method: not provided. Allele origin: germline. Inheritance: Autosomal dominant inheritance. Affected: yes.

PreventionGenetics, part of Exact Sciences
Classification: Likely benign for CLTC-related condition. Last evaluated: 2019-06-17. Review status: no assertion criteria provided. Collection method: clinical testing. Allele origin: germline. Not counted in ClinVar's aggregate classification.
Comment: This variant is classified as likely benign based on ACMG/AMP sequence variant interpretation guidelines (Richards et al. 2015 PMID: 25741868, with internal and published modifications).

NM_004859.4(CLTC):c.4722C>T (p.Tyr1574=)

Gene: CLTC (clathrin heavy chain; plus strand). Cytogenetic location: 17q23.1.
Variant type: single nucleotide variant.
Coding change: c.4722C>T on transcript NM_004859.4 (MANE Select); coding-DNA position 4722, C replaced by T.
Protein change: p.Tyr1574=; no amino-acid change (tyrosine 1574 retained).
Molecular consequence: synonymous variant.
Genome position (GRCh38, 1-based): chr17:59,685,703, C>T. VCF-style: chr17-59685703-C-T. GRCh37 (hg19) VCF-style: chr17-57763064-C-T.
Other names: c.4734C>T (NM_001288653.1); c.4734C>T, p.Tyr1578= (NM_001288653.2).
Identifiers: ClinVar variation 1590791 (VCV001590791.35), dbSNP rs367867382, ClinGen allele CA8681792.